The following is an entry in ClinVar:

ClinVar aggregate classification (germline): Benign. Review status: criteria provided, multiple submitters, no conflicts (2 of 4 stars). 3 submissions from 3 submitters: Benign (2). 1 of the submissions does not count toward it. Last evaluated 2019-12-31.

Conditions:
BIRC6-related disorder. Also called: BIRC6-related condition.

Allele frequency attached by ClinVar (database versions not stated): TOPMed 0.02196; gnomAD 0.02094 and 0.01943; ESP Exome Variant Server 0.02214; 1000 Genomes Project 0.01937; 1000 Genomes Project 30x 0.02155; gnomAD exomes 0.00180 and 0.00505; ExAC 0.00619.
gnomAD v4.1: 5,666 of 1,603,612 alleles (0.35%); highest among the groups gnomAD compares: African/African-American, 6.9%; 180 homozygotes.

Submissions (3):

Labcorp Genetics (formerly Invitae), Labcorp
Classification: Benign. Last evaluated: 2019-12-31. Review status: criteria provided, single submitter. Criteria: Invitae Variant Classification Sherloc (09022015). Collection method: clinical testing. Allele origin: germline.

Breakthrough Genomics
Classification: Benign. Review status: criteria provided, single submitter. Criteria: ACMG Guidelines, 2015. Collection method: not provided. Allele origin: germline. Inheritance: Unknown mechanism. Affected: yes.

PreventionGenetics, part of Exact Sciences
Classification: Benign for BIRC6-related condition. Last evaluated: 2019-03-18. Review status: no assertion criteria provided. Collection method: clinical testing. Allele origin: germline. Not counted in ClinVar's aggregate classification.
Comment: This variant is classified as benign based on ACMG/AMP sequence variant interpretation guidelines (Richards et al. 2015 PMID: 25741868, with internal and published modifications).

NM_016252.4(BIRC6):c.4101C>T (p.Pro1367=)

Gene: BIRC6 (baculoviral IAP repeat containing 6; plus strand). Cytogenetic location: 2p22.3.
Variant type: single nucleotide variant.
Coding change: c.4101C>T on transcript NM_016252.4 (MANE Select); coding-DNA position 4101, C replaced by T.
Protein change: p.Pro1367=; no amino-acid change (proline 1367 retained).
Molecular consequence: synonymous variant.
Genome position (GRCh38, 1-based): chr2:32,442,221, C>T. VCF-style: chr2-32442221-C-T. GRCh37 (hg19) VCF-style: chr2-32667289-C-T.
Other names: c.4059C>T, p.Pro1353= (NM_001378125.1).
Identifiers: ClinVar variation 780346 (VCV000780346.7), dbSNP rs34139419, ClinGen allele CA1603265.